The following is an entry in ClinVar:

ClinVar aggregate classification (germline): Likely pathogenic. Review status: criteria provided, multiple submitters, no conflicts (2 of 4 stars). 2 submissions from 2 submitters: Likely pathogenic (2). Last evaluated 2026-07-01.

Conditions:
Glycogen storage disease, type II (IOPD). Also called: CARDIOMEGALIA GLYCOGENICA DIFFUSA; GLYCOGENOSIS, GENERALIZED, CARDIAC FORM; GSD II; Glycogen storage disease type 2; Acid maltase deficiency disease; Aglucosidase alfa. Identifiers: Orphanet 365, MedGen C0017921, MONDO:0009290, OMIM 232300.

Submissions (2):

Genomenon, Inc
Classification: Likely pathogenic for Glycogen storage disease, type II. Last evaluated: 2026-07-01. Review status: criteria provided, single submitter. Criteria: Genomenon Sequence Variant Interpretation Standards - Updated. Collection method: curation. Allele origin: germline. Affected: no.
Comment: GAA p.Gln509Ter (c.1525C>T) is a nonsense variant that introduces a premature stop codon at amino acid position 509 and is predicted to result in a truncated or absent protein product. This variant has been reported in the published literature (PMID:33972680). It is absent or not present at a significant frequency in gnomAD. In conclusion, we classify GAA p.Gln509Ter (c.1525C>T) as a likely pathogenic variant.

Institute of Medical Genetics and Genomics, Sir Ganga Ram Hospital
Classification: Likely pathogenic for Glycogen storage disease, type II. Last evaluated: 2023-06-15. Review status: criteria provided, single submitter. Criteria: ACMG Guidelines, 2015. Collection method: clinical testing. Allele origin: germline. Inheritance: Autosomal recessive inheritance. Affected: yes. Observed: 1 heterozygote.
Comment: The heterozygous variant c.1524C>T (p.Gln509*) has been identified as a compound heterozygous state with the variant c.1820G>A (p.Gly607Asp) . This variant has been reported previously PMID: 31057599.

Literature cited by the submitters: PubMed 33972680 (cited by Genomenon, Inc); PubMed 31057599 (cited by Institute of Medical Genetics and Genomics, Sir Ganga Ram Hospital).

NM_000152.5(GAA):c.1525C>T (p.Gln509Ter)

Gene: GAA (alpha glucosidase; plus strand). Cytogenetic location: 17q25.3.
Variant type: single nucleotide variant.
Coding change: c.1525C>T on transcript NM_000152.5 (MANE Select); coding-DNA position 1525, C replaced by T.
Protein change: p.Gln509Ter; replaces glutamine 509 with a stop codon.
Molecular consequence: nonsense.
Genome position (GRCh38, 1-based): chr17:80,110,814, C>T. VCF-style: chr17-80110814-C-T. GRCh37 (hg19) VCF-style: chr17-78084613-C-T.
Other names: c.1525C>T, p.Gln509Ter (NM_001079803.3, NM_001079804.3, NM_001406741.1 and 1 more transcripts); short protein forms Q509*.
Identifiers: ClinVar variation 2505480 (VCV002505480.3), dbSNP rs2510374041, ClinGen allele CA401367107.